The following is an entry in ClinVar:

NM_000089.4(COL1A2):c.2333G>C (p.Gly778Ala)

Gene: COL1A2 (collagen type I alpha 2 chain; plus strand). Cytogenetic location: 7q21.3.
Variant type: single nucleotide variant.
Coding change: c.2333G>C on transcript NM_000089.4 (MANE Select); coding-DNA position 2333, G replaced by C.
Protein change: p.Gly778Ala; replaces glycine 778 with alanine.
Molecular consequence: missense variant.
Genome position (GRCh38, 1-based): chr7:94,421,046, G>C. VCF-style: chr7-94421046-G-C. GRCh37 (hg19) VCF-style: chr7-94050358-G-C.
Other names: p.Gly778Ala; short protein forms G778A.
Identifiers: ClinVar variation 1524189 (VCV001524189.7), dbSNP rs2115933783, ClinGen allele CA368223722.

ClinVar aggregate classification (germline): Likely pathogenic. Review status: criteria provided, multiple submitters, no conflicts (2 of 4 stars). 2 submissions from 2 submitters: Likely pathogenic (2). Last evaluated 2023-10-17.

Conditions:
Ehlers-Danlos syndrome, classic type, 1 (EDSCL1). Also called: EHLERS-DANLOS SYNDROME, GRAVIS TYPE; EHLERS-DANLOS SYNDROME, SEVERE CLASSIC TYPE; Ehlers-Danlos syndrome, type 1; Ehlers-Danlos Syndrome, Classic Type, COL5A1-Related; EDS I. Identifiers: MedGen C0268335, MONDO:0019567, OMIM 130000.
Osteogenesis imperfecta type I (OI1). Also called: OI, TYPE I; OSTEOGENESIS IMPERFECTA TARDA; OSTEOGENESIS IMPERFECTA WITH BLUE SCLERAE; Osteogenesis imperfecta type 1; Lobstein's Disease; Lobstein disease. Identifiers: Orphanet 216796, Orphanet 666, MedGen C0023931, MONDO:0008146, OMIM 166200. Disease mechanism: loss of function.

Submissions (2):

Mayo Clinic Laboratories, Mayo Clinic
Classification: Likely pathogenic. Last evaluated: 2023-10-17. Review status: criteria provided, single submitter. Criteria: ACMG Guidelines, 2015. Collection method: clinical testing. Allele origin: germline. Observed: 1 variant allele.
Comment: PP3, PM1_strong, PM2, PM5

Labcorp Genetics (formerly Invitae), Labcorp
Classification: Likely pathogenic for Osteogenesis imperfecta type I; Ehlers-Danlos syndrome, classic type, 1. Last evaluated: 2023-08-11. Review status: criteria provided, single submitter. Criteria: Invitae Variant Classification Sherloc (09022015). Collection method: clinical testing. Allele origin: germline.
Comment: Advanced modeling of protein sequence and biophysical properties (such as structural, functional, and spatial information, amino acid conservation, physicochemical variation, residue mobility, and thermodynamic stability) performed at Invitae indicates that this missense variant is expected to disrupt COL1A2 protein function. In summary, the currently available evidence indicates that the variant is pathogenic, but additional data are needed to prove that conclusively. Therefore, this variant has been classified as Likely Pathogenic. This variant disrupts the p.Gly778 amino acid residue in COL1A2. Other variant(s) that disrupt this residue have been observed in individuals with COL1A2-related conditions (PMID: 30715774, 30886339), which suggests that this may be a clinically significant amino acid residue. This variant disrupts the triple helix domain of COL1A2. Glycine residues within the Gly-Xaa-Yaa repeats of the triple helix domain are required for the structure and stability of fibrillar collagens (PMID: 7695699, 8218237, 19344236). In COL1A2, variants affecting these glycine residues are significantly enriched in individuals with disease (PMID: 9016532, 17078022) compared to the general population (ExAC). ClinVar contains an entry for this variant (Variation ID: 1524189). This variant has not been reported in the literature in individuals affected with COL1A2-related conditions. This variant is not present in population databases (gnomAD no frequency). This sequence change replaces glycine, which is neutral and non-polar, with alanine, which is neutral and non-polar, at codon 778 of the COL1A2 protein (p.Gly778Ala).

Literature cited by the submitters: PubMed 30715774 (cited by Mayo Clinic Laboratories, Mayo Clinic and Labcorp Genetics (formerly Invitae), Labcorp); PubMed 30886339 (cited by Mayo Clinic Laboratories, Mayo Clinic and Labcorp Genetics (formerly Invitae), Labcorp); PubMed 31680973 (cited by Mayo Clinic Laboratories, Mayo Clinic); PubMed 35909573 (cited by Mayo Clinic Laboratories, Mayo Clinic); PubMed 7720740 (cited by Mayo Clinic Laboratories, Mayo Clinic); PubMed 8872706 (cited by Mayo Clinic Laboratories, Mayo Clinic); PubMed 7695699 (cited by Labcorp Genetics (formerly Invitae), Labcorp); PubMed 8218237 (cited by Labcorp Genetics (formerly Invitae), Labcorp); PubMed 19344236 (cited by Labcorp Genetics (formerly Invitae), Labcorp); PubMed 9016532 (cited by Labcorp Genetics (formerly Invitae), Labcorp); PubMed 17078022 (cited by Labcorp Genetics (formerly Invitae), Labcorp).